The following is an entry in ClinVar:

NC_000017.11:g.627317del

Gene: VPS53 (VPS53 subunit of GARP complex; minus strand). Cytogenetic location: 17p13.3.
Variant type: Deletion.
Genome position: GRCh38 VCF-style: chr17-627315-AC-A. GRCh37 (hg19) VCF-style: chr17-530555-AC-A.
Identifiers: ClinVar variation 5003292 (VCV005003292.1).

ClinVar aggregate classification (germline): Likely pathogenic (1 of 4 stars; one submission).

Conditions:
Pontocerebellar hypoplasia type 2E. Identifiers: Orphanet 247198, MedGen C4014488, MONDO:0014370, OMIM 615851.

Submission:

Myriad Genetics, Inc.
Classification: Likely pathogenic for Pontocerebellar hypoplasia type 2E. Last evaluated: 2025-08-20. Review status: criteria provided, single submitter. Criteria: Myriad Autosomal Dominant, Autosomal Recessive and X-Linked Classification Criteria (2023). Collection method: clinical testing. Allele origin: unknown.
Comment: NM_001128159.2(VPS53):c.832delG(V278Lfs*14) is a frameshift variant classified as likely pathogenic in the context of pontocerebellar hypoplasia, VPS53-related. V278Lfs*14 has not been observed in cases with relevant disease. Relevant functional assessments of this variant are not available in the literature. V278Lfs*14 has been observed in referenced population frequency databases. In summary, NM_001128159.2(VPS53):c.832delG(V278Lfs*14) is a frameshift variant in a gene where loss of function is a known mechanism of disease and is predicted to disrupt protein function. Please note: this variant was assessed in the context of healthy population screening.